The following is an entry in ClinVar:

NM_005739.4(RASGRP1):c.593C>G (p.Ser198Cys)

Gene: RASGRP1 (RAS guanyl releasing protein 1; minus strand). Cytogenetic location: 15q14.
Variant type: single nucleotide variant.
Coding change: c.593C>G on transcript NM_005739.4 (MANE Select); coding-DNA position 593, C replaced by G.
Protein change: p.Ser198Cys; replaces serine 198 with cysteine.
Molecular consequence: missense variant.
Genome position (GRCh38, 1-based): chr15:38,516,279, G>C on the plus strand (C>G on the coding strand, the complement: RASGRP1 is on the minus strand). VCF-style: chr15-38516279-G-C. GRCh37 (hg19) VCF-style: chr15-38808480-G-C.
Other names: c.593C>G, p.Ser198Cys (NM_001128602.2, NM_001306086.2); short protein forms S198C.
Identifiers: ClinVar variation 1482536 (VCV001482536.4), dbSNP rs1304943483, ClinGen allele CA391653455.
Genomic context (GRCh38, chr15:38,516,279, plus strand): 5'-AACTCAAGGTAGGTGAGGTGCTCGGATAGCTCTTCTGGTTCCAGATGGTCAAAGAGCAGG[G>C]AGACTTTCCGTTTCTTGCTGGTATTTGATTTTATCCTTTGAGTAAGTTTCCTGGACCAGT-3'
Protein context (NP_005730.2, residues 188-208): KSNTSKKRKV[Ser198Cys]LLFDHLEPEE

ClinVar aggregate classification (germline): Uncertain significance (1 of 4 stars; one submission).

Allele frequency attached by ClinVar (database versions not stated): gnomAD exomes below 0.00001.
gnomAD v4.1: 1 of 1,604,050 alleles (0.000062%); no homozygotes.

Submission:

Labcorp Genetics (formerly Invitae), Labcorp
Classification: Uncertain significance. Last evaluated: 2021-12-20. Review status: criteria provided, single submitter. Criteria: Invitae Variant Classification Sherloc (09022015). Collection method: clinical testing. Allele origin: germline.
Comment: In summary, the available evidence is currently insufficient to determine the role of this variant in disease. Therefore, it has been classified as a Variant of Uncertain Significance. Algorithms developed to predict the effect of missense changes on protein structure and function (SIFT, PolyPhen-2, Align-GVGD) all suggest that this variant is likely to be disruptive. This variant has not been reported in the literature in individuals affected with RASGRP1-related conditions. This variant is present in population databases (no rsID available, gnomAD 0.01%). This sequence change replaces serine, which is neutral and polar, with cysteine, which is neutral and slightly polar, at codon 198 of the RASGRP1 protein (p.Ser198Cys).